The following is an entry in ClinVar:

ClinVar aggregate classification (germline): Uncertain significance (1 of 4 stars; one submission).

Conditions:
Familial cancer of breast. Also called: BREAST CANCER, FAMILIAL; Hereditary breast cancer; hereditary breast carcinoma. Identifiers: Orphanet 227535, MedGen C0346153, MONDO:0016419, OMIM 114480. Disease mechanism: loss of function.

Submission:

Labcorp Genetics (formerly Invitae), Labcorp
Classification: Uncertain significance for Familial cancer of breast. Last evaluated: 2025-07-30. Review status: criteria provided, single submitter. Criteria: Invitae Variant Classification Sherloc (09022015). Collection method: clinical testing. Allele origin: germline.
Comment: This sequence change replaces aspartic acid, which is acidic and polar, with histidine, which is basic and polar, at codon 3 of the BARD1 protein (p.Asp3His). This variant is not present in population databases (gnomAD no frequency). This variant has not been reported in the literature in individuals affected with BARD1-related conditions. ClinVar contains an entry for this variant (Variation ID: 406739). An algorithm developed to predict the effect of missense changes on protein structure and function (PolyPhen-2) suggests that this variant is likely to be tolerated. In summary, the available evidence is currently insufficient to determine the role of this variant in disease. Therefore, it has been classified as a Variant of Uncertain Significance.

NM_000465.4(BARD1):c.7G>C (p.Asp3His)

Gene: BARD1 (BRCA1 associated RING domain 1; minus strand). Cytogenetic location: 2q35.
Variant type: single nucleotide variant.
Coding change: c.7G>C on transcript NM_000465.4 (MANE Select); coding-DNA position 7, G replaced by C.
Protein change: p.Asp3His; replaces aspartic acid 3 with histidine.
Molecular consequence: missense variant. On other transcripts: non-coding transcript variant (3).
Genome position (GRCh38, 1-based): chr2:214,809,563, C>G on the plus strand (G>C on the coding strand, the complement: BARD1 is on the minus strand). VCF-style: chr2-214809563-C-G. GRCh37 (hg19) VCF-style: chr2-215674287-C-G.
Other names: c.7G>C, p.Asp3His (NM_001282543.2, NM_001282545.2, NM_001282548.2 and 1 more transcripts); short protein forms D3H.
Identifiers: ClinVar variation 406739 (VCV000406739.11), dbSNP rs1060501282, ClinGen allele CA16610763.